The following is an entry in ClinVar:

ClinVar aggregate classification (germline): Uncertain significance (1 of 4 stars; one submission).

Allele frequency attached by ClinVar (database versions not stated): gnomAD exomes 0.00002; ExAC 0.00006; gnomAD 0.00007; 1000 Genomes Project 30x 0.00016; 1000 Genomes Project 0.00020; TOPMed 0.00023.
gnomAD v4.1: 47 of 1,607,170 alleles (0.0029%); highest among the groups gnomAD compares: Admixed American, 0.053%; no homozygotes.

Submission:

Labcorp Genetics (formerly Invitae), Labcorp
Classification: Uncertain significance. Last evaluated: 2022-08-08. Review status: criteria provided, single submitter. Criteria: Invitae Variant Classification Sherloc (09022015). Collection method: clinical testing. Allele origin: germline.
Comment: This sequence change affects codon 166 of the HPGD mRNA. It is a 'silent' change, meaning that it does not change the encoded amino acid sequence of the HPGD protein. This variant also falls at the last nucleotide of exon 5, which is part of the consensus splice site for this exon. This variant is present in population databases (rs200828629, gnomAD 0.06%). This variant has not been reported in the literature in individuals affected with HPGD-related conditions. Variants that disrupt the consensus splice site are a relatively common cause of aberrant splicing (PMID: 17576681, 9536098). Algorithms developed to predict the effect of sequence changes on RNA splicing suggest that this variant may disrupt the consensus splice site. In summary, the available evidence is currently insufficient to determine the role of this variant in disease. Therefore, it has been classified as a Variant of Uncertain Significance.

Literature cited by the submitters: PubMed 17576681; PubMed 9536098.

NM_000860.6(HPGD):c.498G>A (p.Ala166=)

Gene: HPGD (15-hydroxyprostaglandin dehydrogenase; minus strand). Cytogenetic location: 4q34.1.
Variant type: single nucleotide variant.
Coding change: c.498G>A on transcript NM_000860.6 (MANE Select); coding-DNA position 498, G replaced by A.
Protein change: p.Ala166=; no amino-acid change (alanine 166 retained).
Molecular consequence: synonymous variant. On other transcripts: intron variant (1).
Genome position (GRCh38, 1-based): chr4:174,495,548, C>T on the plus strand (G>A on the coding strand, the complement: HPGD is on the minus strand). VCF-style: chr4-174495548-C-T. GRCh37 (hg19) VCF-style: chr4-175416699-C-T.
Other names: c.498G>A, p.Ala166= (NM_001145816.3); c.135G>A, p.Ala45= (NM_001256301.1, NM_001256307.2); c.294G>A, p.Ala98= (NM_001256306.2); c.422-3454G>A (NM_001256305.2).
Identifiers: ClinVar variation 2192508 (VCV002192508.1), dbSNP rs200828629, ClinGen allele CA3142247.
Genomic context (GRCh38, chr4:174,495,548, plus strand): 5'-TTCATGTTTTATAAATGTGTACAAAGAGAAAATGAGATATGACGGTTGTTGTAGCCTCAC[C>T]GCTGCTGAGCGTGTGAATCCAACTATGCCATGCTTTGAAGCACAATAAACCGGCTGCTGT-3'
Protein context (NP_000851.2, residues 156-176): HGIVGFTRSA[Ala166=]LAANLMNSGV